The following is an entry in ClinVar:

ClinVar aggregate classification (germline): Uncertain significance (0 of 4 stars; one submission).

Conditions:
CIC-related disorder. Also called: CIC-related condition.

Allele frequency attached by ClinVar (database versions not stated): ExAC 0.00003; gnomAD 0.00007; TOPMed 0.00016; 1000 Genomes Project 0.00060; 1000 Genomes Project 30x 0.00078.
gnomAD v4.1: 25 of 1,600,294 alleles (0.0016%); highest among the groups gnomAD compares: Admixed American, 0.032%; no homozygotes.

Submission:

PreventionGenetics, part of Exact Sciences
Classification: Uncertain significance for CIC-related condition. Last evaluated: 2024-01-27. Review status: no assertion criteria provided. Collection method: clinical testing. Allele origin: germline.
Comment: The CIC c.4597G>T variant is predicted to result in the amino acid substitution p.Ala1533Ser. To our knowledge, this variant has not been reported in the literature. This variant is reported in 0.023% of alleles in individuals of Latino descent in gnomAD. Although we suspect that this variant may be benign, at this time, the clinical significance of this variant is uncertain due to the absence of conclusive functional and genetic evidence.

NM_001386298.1(CIC):c.7324G>T (p.Ala2442Ser)

Gene: CIC (capicua transcriptional repressor; plus strand). Cytogenetic location: 19q13.2.
Variant type: single nucleotide variant.
Coding change: c.7324G>T on transcript NM_001386298.1 (MANE Select); coding-DNA position 7324, G replaced by T.
Protein change: p.Ala2442Ser; replaces alanine 2442 with serine.
Molecular consequence: missense variant.
Genome position (GRCh38, 1-based): chr19:42,294,961, G>T. VCF-style: chr19-42294961-G-T. GRCh37 (hg19) VCF-style: chr19-42799113-G-T.
Other names: c.7324G>T, p.Ala2442Ser (NM_001304815.2); c.7321G>T, p.Ala2441Ser (NM_001379480.1, NM_001379482.1, NM_001379483.1); c.4591G>T, p.Ala1531Ser (NM_001379484.1); c.4588G>T, p.Ala1530Ser (NM_001379485.1); c.4597G>T, p.Ala1533Ser (NM_015125.5); short protein forms A1530S, A1531S, A1533S, A2441S, A2442S.
Identifiers: ClinVar variation 3032339 (VCV003032339.2), dbSNP rs532405531, ClinGen allele CA9472985.